The following is an entry in ClinVar:

NM_001197104.2(KMT2A):c.6737T>C (p.Val2246Ala)

Gene: KMT2A (lysine methyltransferase 2A; plus strand). Cytogenetic location: 11q23.3.
Variant type: single nucleotide variant.
Coding change: c.6737T>C on transcript NM_001197104.2 (MANE Select); coding-DNA position 6737, T replaced by C.
Protein change: p.Val2246Ala; replaces valine 2246 with alanine.
Molecular consequence: missense variant.
Genome position (GRCh38, 1-based): chr11:118,502,629, T>C. VCF-style: chr11-118502629-T-C. GRCh37 (hg19) VCF-style: chr11-118373344-T-C.
Other names: c.6728T>C, p.Val2243Ala (NM_005933.4); c.6737T>C (NM_001197104.1); short protein forms V2243A, V2246A.
Identifiers: ClinVar variation 1428281 (VCV001428281.9), dbSNP rs139450035, ClinGen allele CA6304305.

ClinVar aggregate classification (germline): Conflicting classifications of pathogenicity. Review status: criteria provided, conflicting classifications (1 of 4 stars). 2 submissions from 2 submitters: Uncertain significance (1); Likely benign (1). Last evaluated 2025-05-26.

Conditions:
Inborn genetic diseases. Identifiers: MedGen C0950123, MeSH D030342.

Allele frequency attached by ClinVar (database versions not stated): ExAC 0.00001; gnomAD exomes 0.00001; ESP Exome Variant Server 0.00008.
gnomAD v4.1: 15 of 1,613,986 alleles (0.00093%); highest among the groups gnomAD compares: Admixed American, 0.022%; no homozygotes.

Submissions (2):

Labcorp Genetics (formerly Invitae), Labcorp
Classification: Uncertain significance. Last evaluated: 2025-05-26. Review status: criteria provided, single submitter. Criteria: Invitae Variant Classification Sherloc (09022015). Collection method: clinical testing. Allele origin: germline.
Comment: This sequence change replaces valine, which is neutral and non-polar, with alanine, which is neutral and non-polar, at codon 2246 of the KMT2A protein (p.Val2246Ala). This variant is present in population databases (rs139450035, gnomAD 0.006%). This variant has not been reported in the literature in individuals affected with KMT2A-related conditions. ClinVar contains an entry for this variant (Variation ID: 1428281). Invitae Evidence Modeling of protein sequence and biophysical properties (such as structural, functional, and spatial information, amino acid conservation, physicochemical variation, residue mobility, and thermodynamic stability) indicates that this missense variant is not expected to disrupt KMT2A protein function with a negative predictive value of 95%. In summary, the available evidence is currently insufficient to determine the role of this variant in disease. Therefore, it has been classified as a Variant of Uncertain Significance.

Ambry Genetics
Classification: Likely benign for Inborn genetic diseases. Last evaluated: 2023-11-14. Review status: criteria provided, single submitter. Criteria: Ambry Variant Classification Scheme 2023. Collection method: clinical testing. Allele origin: germline.